The following is an entry in ClinVar:

ClinVar aggregate classification (germline): Conflicting classifications of pathogenicity. Review status: criteria provided, conflicting classifications (1 of 4 stars). 3 submissions from 3 submitters: Uncertain significance (2); Likely benign (1). Last evaluated 2024-12-02.

Conditions:
Inborn genetic diseases. Identifiers: MedGen C0950123, MeSH D030342.
Pierson syndrome. Also called: MICROCORIA-CONGENITAL NEPHROTIC SYNDROME. Identifiers: Orphanet 2670, MedGen C1836876, MONDO:0012184, OMIM 609049.
LAMB2-related infantile-onset nephrotic syndrome. Also called: NEPHROTIC SYNDROME, TYPE 5, WITHOUT OCULAR ABNORMALITIES; NEPHROTIC SYNDROME, TYPE 5, WITH OCULAR ABNORMALITIES; Nephrotic Syndrome, type 5. Identifiers: Orphanet 306507, MedGen C3280113, MONDO:0013621, OMIM 614199.

Allele frequency attached by ClinVar (database versions not stated): gnomAD 0.00004; TOPMed 0.00006; gnomAD exomes 0.00007 and 0.00014; ExAC 0.00009.
gnomAD v4.1: 50 of 1,613,698 alleles (0.0031%); highest among the groups gnomAD compares: Admixed American, 0.08%; no homozygotes.

Submissions (3):

Labcorp Genetics (formerly Invitae), Labcorp
Classification: Uncertain significance for LAMB2-related infantile-onset nephrotic syndrome; Pierson syndrome. Last evaluated: 2024-12-02. Review status: criteria provided, single submitter. Criteria: Invitae Variant Classification Sherloc (09022015). Collection method: clinical testing. Allele origin: germline.
Comment: This sequence change replaces proline, which is neutral and non-polar, with leucine, which is neutral and non-polar, at codon 1074 of the LAMB2 protein (p.Pro1074Leu). This variant is present in population databases (rs753249251, gnomAD 0.1%). This variant has not been reported in the literature in individuals affected with LAMB2-related conditions. ClinVar contains an entry for this variant (Variation ID: 970554). An algorithm developed to predict the effect of missense changes on protein structure and function outputs the following: PolyPhen-2: "Benign". The leucine amino acid residue is found in multiple mammalian species, which suggests that this missense change does not adversely affect protein function. In summary, the available evidence is currently insufficient to determine the role of this variant in disease. Therefore, it has been classified as a Variant of Uncertain Significance.

Ambry Genetics
Classification: Likely benign for Inborn genetic diseases. Last evaluated: 2021-12-20. Review status: criteria provided, single submitter. Criteria: Ambry Variant Classification Scheme 2023. Collection method: clinical testing. Allele origin: germline.

Fulgent Genetics
Classification: Uncertain significance for Pierson syndrome; LAMB2-related infantile-onset nephrotic syndrome. Last evaluated: 2021-12-18. Review status: criteria provided, single submitter. Criteria: ACMG Guidelines, 2015. Collection method: clinical testing. Allele origin: unknown.

NM_002292.4(LAMB2):c.3221C>T (p.Pro1074Leu)

Gene: LAMB2 (laminin subunit beta 2; minus strand). Cytogenetic location: 3p21.31.
Variant type: single nucleotide variant.
Coding change: c.3221C>T on transcript NM_002292.4 (MANE Select); coding-DNA position 3221, C replaced by T.
Protein change: p.Pro1074Leu; replaces proline 1074 with leucine.
Molecular consequence: missense variant.
Genome position (GRCh38, 1-based): chr3:49,124,501, G>A on the plus strand (C>T on the coding strand, the complement: LAMB2 is on the minus strand). VCF-style: chr3-49124501-G-A. GRCh37 (hg19) VCF-style: chr3-49161934-G-A.
Other names: short protein forms P1074L.
Identifiers: ClinVar variation 970554 (VCV000970554.7), dbSNP rs753249251, ClinGen allele CA2394103.